The following is an entry in ClinVar:

ClinVar aggregate classification (germline): Uncertain significance. Review status: criteria provided, multiple submitters, no conflicts (2 of 4 stars). 3 submissions from 3 submitters: Uncertain significance (3). Last evaluated 2025-08-10.

Conditions:
Hereditary cancer-predisposing syndrome. Also called: Neoplastic Syndromes, Hereditary; Hereditary Cancer Syndrome; Hereditary neoplastic syndrome; Tumor predisposition. Identifiers: Orphanet 140162, MedGen C0027672, MeSH D009386, MONDO:0015356.
Breast-ovarian cancer, familial, susceptibility to, 3. Also called: RAD51C-Related Breast/Ovarian Cancer. Identifiers: Orphanet 145, MedGen C3150659, MONDO:0013253, OMIM 613399.
Fanconi anemia complementation group O. Also called: RAD51C-Related Fanconi Anemia. Identifiers: Orphanet 84, MedGen C3150653, MONDO:0013248, OMIM 613390.

Allele frequency attached by ClinVar (database versions not stated): gnomAD exomes below 0.00001 and 0.00001; TOPMed 0.00002; gnomAD 0.00005.
gnomAD v4.1: 9 of 1,613,990 alleles (0.00056%); highest among the groups gnomAD compares: Admixed American, 0.015%; no homozygotes.

Submissions (3):

Labcorp Genetics (formerly Invitae), Labcorp
Classification: Uncertain significance for Fanconi anemia complementation group O. Last evaluated: 2025-08-10. Review status: criteria provided, single submitter. Criteria: Invitae Variant Classification Sherloc (09022015). Collection method: clinical testing. Allele origin: germline.
Comment: This sequence change replaces leucine, which is neutral and non-polar, with phenylalanine, which is neutral and non-polar, at codon 111 of the RAD51C protein (p.Leu111Phe). This variant is present in population databases (no rsID available, gnomAD 0.009%). This variant has not been reported in the literature in individuals affected with RAD51C-related conditions. ClinVar contains an entry for this variant (Variation ID: 644736). Invitae Evidence Modeling of protein sequence and biophysical properties (such as structural, functional, and spatial information, amino acid conservation, physicochemical variation, residue mobility, and thermodynamic stability) indicates that this missense variant is not expected to disrupt RAD51C protein function with a negative predictive value of 80%. In summary, the available evidence is currently insufficient to determine the role of this variant in disease. Therefore, it has been classified as a Variant of Uncertain Significance.

Department of Pathology and Laboratory Medicine, Sinai Health System
Classification: Uncertain significance for Fanconi anemia complementation group O; Breast-ovarian cancer, familial, susceptibility to, 3. Last evaluated: 2022-04-05. Review status: criteria provided, single submitter. Criteria: ACMG Guidelines, 2015. Collection method: clinical testing. Allele origin: germline. Affected: no.

Ambry Genetics
Classification: Uncertain significance for Hereditary cancer-predisposing syndrome. Last evaluated: 2015-11-27. Review status: criteria provided, single submitter. Criteria: Ambry Variant Classification Scheme 2023. Collection method: clinical testing. Allele origin: germline.
Comment: The p.L111F variant (also known as c.331C>T), located in coding exon 2 of the RAD51C gene, results from a C to T substitution at nucleotide position 331. The leucine at codon 111 is replaced by phenylalanine, an amino acid with highly similar properties. This variant was not reported in population based cohorts in the following databases: Database of Single Nucleotide Polymorphisms (dbSNP), NHLBI Exome Sequencing Project (ESP), and 1000 Genomes Project. In the ESP, this variant was not observed in 6503 samples (13006 alleles) with coverage at this position. To date, this alteration has been detected with an allele frequency of approximately 0.001% (greater than 120000 alleles tested) in our clinical cohort. This amino acid position is well conserved in available vertebrate species. In addition, this alteration is predicted to be deleterious by in silico analysis. Since supporting evidence is limited at this time, the clinical significance of p.L111F remains unclear.

NM_058216.3(RAD51C):c.331C>T (p.Leu111Phe)

Gene: RAD51C (RAD51 paralog C; plus strand). Cytogenetic location: 17q22.
Variant type: single nucleotide variant.
Coding change: c.331C>T on transcript NM_058216.3 (MANE Select); coding-DNA position 331, C replaced by T.
Protein change: p.Leu111Phe; replaces leucine 111 with phenylalanine.
Molecular consequence: missense variant. On other transcripts: non-coding transcript variant (2).
Genome position (GRCh38, 1-based): chr17:58,695,116, C>T. VCF-style: chr17-58695116-C-T. GRCh37 (hg19) VCF-style: chr17-56772477-C-T.
Other names: c.331C>T, p.Leu111Phe (NM_002876.4); short protein forms L111F.
Identifiers: ClinVar variation 644736 (VCV000644736.10), dbSNP rs1402638488, ClinGen allele CA400341361.